The following is an entry in ClinVar:

NM_001270974.2(HYDIN):c.7214_7215del (p.Ser2405fs)

Gene: HYDIN (HYDIN axonemal central pair apparatus protein; minus strand). Cytogenetic location: 16q22.2.
Variant type: Deletion.
Coding change: c.7214_7215del on transcript NM_001270974.2 (MANE Select); coding-DNA positions 7214 to 7215, 2 bases deleted (CT; older notation c.7214_7215delCT).
Protein change: p.Ser2405fs; shifts the reading frame from serine 2405.
Molecular consequence: frameshift variant.
Genome position (GRCh38, 1-based): chr16:70,921,161-70,921,162, AG deleted on the plus strand (CT on the coding strand, the reverse complement: HYDIN is on the minus strand); deleting any 2 consecutive bases within chr16:70,921,161-70,921,163 gives the same sequence; the c. name uses the placement nearest the transcript's 3' end. VCF-style (leftmost placement, unchanged base first): chr16-70921160-CAG-C. GRCh37 (hg19) VCF-style: chr16-70955063-CAG-C.
Other names: short protein forms S2405fs.
Identifiers: ClinVar variation 3027486 (VCV003027486.1), dbSNP rs2507041538, ClinGen allele CA2634117113.
Genomic context (GRCh38, chr16:70,921,160, plus strand): 5'-CGCCCATGTTCCTTTTCTTCTTATTTAGCTCTTCCTTCTCAGACATTGTTTGTTCCCTAA[CAG>C]ATATTTTCCTTTCGATTGTCTCCATCTTGACATCCACTTTGGTGAGCGGAGGAACCTAGA-3'

ClinVar aggregate classification (germline): Likely pathogenic (1 of 4 stars; one submission).

Conditions:
Primary ciliary dyskinesia 5. Also called: CILIARY DYSKINESIA, PRIMARY, 5, WITHOUT SITUS INVERSUS. Identifiers: Orphanet 244, MedGen C1837615, MONDO:0012088, OMIM 608647.

Submission:

Royal Brompton Clinical Genetics And Genomics Laboratory, NHS South East Genomic Laboratory Hub
Classification: Likely pathogenic for Primary ciliary dyskinesia 5. Last evaluated: 2024-03-06. Review status: criteria provided, single submitter. Criteria: RBHT-CGGL ClinVar Assertion Criteria. Collection method: clinical testing. Allele origin: germline. Affected: yes. Observed: 1 variant allele.